The following is an entry in ClinVar:

NM_033026.6(PCLO):c.13528+1G>A

Gene: PCLO (piccolo presynaptic cytomatrix protein; minus strand). Cytogenetic location: 7q21.11.
Variant type: single nucleotide variant.
Coding change: c.13528+1G>A on transcript NM_033026.6 (MANE Select); the canonical splice donor site of the intron after coding-DNA position 13528, G replaced by A.
Molecular consequence: splice donor variant.
Genome position (GRCh38, 1-based): chr7:82,902,650, C>T on the plus strand (G>A on the coding strand, the complement: PCLO is on the minus strand). VCF-style: chr7-82902650-C-T. GRCh37 (hg19) VCF-style: chr7-82531966-C-T.
Other names: c.13528+1G>A (NM_014510.3).
Identifiers: ClinVar variation 2097837 (VCV002097837.4), dbSNP rs2535508959, ClinGen allele CA367880464.

ClinVar aggregate classification (germline): Likely pathogenic (1 of 4 stars; one submission).

Submission:

Labcorp Genetics (formerly Invitae), Labcorp
Classification: Likely pathogenic. Last evaluated: 2022-02-17. Review status: criteria provided, single submitter. Criteria: Invitae Variant Classification Sherloc (09022015). Collection method: clinical testing. Allele origin: germline.
Comment: Algorithms developed to predict the effect of sequence changes on RNA splicing suggest that this variant may disrupt the consensus splice site. In summary, the currently available evidence indicates that the variant is pathogenic, but additional data are needed to prove that conclusively. Therefore, this variant has been classified as Likely Pathogenic. This sequence change affects a donor splice site in intron 9 of the PCLO gene. It is expected to disrupt RNA splicing. Variants that disrupt the donor or acceptor splice site typically lead to a loss of protein function (PMID: 16199547), and loss-of-function variants in PCLO are known to be pathogenic (PMID: 25832664, 30287594). This variant is not present in population databases (gnomAD no frequency). This variant has not been reported in the literature in individuals affected with PCLO-related conditions.

Literature cited by the submitters: PubMed 16199547; PubMed 25832664; PubMed 30287594.